The following is an entry in ClinVar:

NM_033380.3(COL4A5):c.611G>A (p.Gly204Asp)

Gene: COL4A5 (collagen type IV alpha 5 chain; plus strand). Cytogenetic location: Xq22.3.
Variant type: single nucleotide variant.
Coding change: c.611G>A on transcript NM_033380.3 (MANE Select); coding-DNA position 611, G replaced by A.
Protein change: p.Gly204Asp; replaces glycine 204 with aspartic acid.
Molecular consequence: missense variant.
Genome position (GRCh38, 1-based): chrX:108,577,953, G>A. VCF-style: chrX-108577953-G-A. GRCh37 (hg19) VCF-style: chrX-107821183-G-A.
Other names: c.611G>A, p.Gly204Asp (NM_000495.5); short protein forms G204D.
Identifiers: ClinVar variation 24300 (VCV000024300.12), dbSNP rs104886063, ClinGen allele CA258289.

ClinVar aggregate classification (germline): Pathogenic. Review status: criteria provided, multiple submitters, no conflicts (2 of 4 stars). 2 submissions from 2 submitters: Pathogenic (2). Last evaluated 2025-09-02.

Conditions:
X-linked Alport syndrome (ATS1). Also called: COL4A5-Related Nephropathy; NEPHROPATHY AND DEAFNESS, X-LINKED. Identifiers: Orphanet 63, Orphanet 88917, MedGen C4746986, MONDO:0010520, OMIM 301050.

Submissions (2):

Labcorp Genetics (formerly Invitae), Labcorp
Classification: Pathogenic. Last evaluated: 2025-09-02. Review status: criteria provided, single submitter. Criteria: Invitae Variant Classification Sherloc (09022015). Collection method: clinical testing. Allele origin: germline.
Comment: This sequence change replaces glycine, which is neutral and non-polar, with aspartic acid, which is acidic and polar, at codon 204 of the COL4A5 protein (p.Gly204Asp). This variant is not present in population databases (gnomAD no frequency). This missense change has been observed in individuals with Alport syndrome (PMID: 12105244, 36117978). ClinVar contains an entry for this variant (Variation ID: 24300). Experimental studies and prediction algorithms are not available or were not evaluated, and the functional significance of this variant is currently unknown. This variant disrupts the triple helix domain of COL4A5. Glycine residues within the Gly-Xaa-Yaa repeats of the triple helix domain are required for the structure and stability of fibrillar collagens (PMID: 7695699, 8218237, 19344236). In COL4A5, missense variants at these glycine residues are significantly enriched in individuals with disease (PMID: 23720012, 27627812) compared to the general population (ExAC). This variant disrupts the p.Gly204 amino acid residue in COL4A5. Other variant(s) that disrupt this residue have been observed in individuals with COL4A5-related conditions (PMID: 8940267), which suggests that this may be a clinically significant amino acid residue. For these reasons, this variant has been classified as Pathogenic.

Institute of Human Genetics Munich, TUM University Hospital
Classification: Pathogenic for X-linked Alport syndrome. Last evaluated: 2019-06-07. Review status: criteria provided, single submitter. Criteria: Classification criteria August 2017. Collection method: clinical testing. Allele origin: germline, maternal. Inheritance: X-linked inheritance. Affected: yes. Observed: 3 heterozygotes.

Literature cited by the submitters: PubMed 12105244 (cited by Labcorp Genetics (formerly Invitae), Labcorp); PubMed 36117978 (cited by Labcorp Genetics (formerly Invitae), Labcorp); PubMed 7695699 (cited by Labcorp Genetics (formerly Invitae), Labcorp); PubMed 8218237 (cited by Labcorp Genetics (formerly Invitae), Labcorp); PubMed 19344236 (cited by Labcorp Genetics (formerly Invitae), Labcorp); PubMed 23720012 (cited by Labcorp Genetics (formerly Invitae), Labcorp); PubMed 27627812 (cited by Labcorp Genetics (formerly Invitae), Labcorp); PubMed 8940267 (cited by Labcorp Genetics (formerly Invitae), Labcorp).